The following is an entry in ClinVar:

NM_001849.4(COL6A2):c.2755G>A (p.Ala919Thr)

Gene: COL6A2 (collagen type VI alpha 2 chain; plus strand). Cytogenetic location: 21q22.3.
Variant type: single nucleotide variant.
Coding change: c.2755G>A on transcript NM_001849.4 (MANE Select); coding-DNA position 2755, G replaced by A.
Protein change: p.Ala919Thr; replaces alanine 919 with threonine.
Molecular consequence: missense variant.
Genome position (GRCh38, 1-based): chr21:46,132,247, G>A. VCF-style: chr21-46132247-G-A. GRCh37 (hg19) VCF-style: chr21-47552161-G-A.
Other names: short protein forms A919T.
Identifiers: ClinVar variation 854033 (VCV000854033.27), dbSNP rs372523558, ClinGen allele CA10073008.

ClinVar aggregate classification (germline): Conflicting classifications of pathogenicity. Review status: criteria provided, conflicting classifications (1 of 4 stars). 4 submissions from 4 submitters: Uncertain significance (2); Likely benign (2). Last evaluated 2025-11-24.

Conditions:
Bethlem myopathy 1A. Also called: Bethlem myopathy 1; MYOPATHY, BENIGN CONGENITAL, WITH CONTRACTURES; Bethlem Muscular Dystrophy. Identifiers: Orphanet 610, MedGen CN029274, MONDO:0024530, OMIM 158810.
Inborn genetic diseases. Identifiers: MedGen C0950123, MeSH D030342.

Allele frequency attached by ClinVar (database versions not stated): gnomAD exomes 0.00002 and 0.00012; gnomAD 0.00003 and 0.00004; TOPMed 0.00006; ExAC 0.00012; ESP Exome Variant Server 0.00015; 1000 Genomes Project 30x 0.00016; 1000 Genomes Project 0.00020.
gnomAD v4.1: 41 of 1,603,646 alleles (0.0026%); highest among the groups gnomAD compares: Admixed American, 0.041%; no homozygotes.

Submissions (4):

Labcorp Genetics (formerly Invitae), Labcorp
Classification: Likely benign for Bethlem myopathy 1A. Last evaluated: 2025-11-24. Review status: criteria provided, single submitter. Criteria: Invitae Variant Classification Sherloc (09022015). Collection method: clinical testing. Allele origin: germline.

CeGaT Center for Human Genetics Tuebingen
Classification: Uncertain significance. Last evaluated: 2024-11-01. Review status: criteria provided, single submitter. Criteria: CeGaT Center For Human Genetics Tuebingen Variant Classification Criteria Version 2. Collection method: clinical testing. Allele origin: germline. Affected: yes. Observed: 1 variant allele.
Comment: COL6A2: PM2, BP4

Ambry Genetics
Classification: Likely benign for Inborn genetic diseases. Last evaluated: 2023-10-10. Review status: criteria provided, single submitter. Criteria: Ambry Variant Classification Scheme 2023. Collection method: clinical testing. Allele origin: germline.

Revvity Omics, Revvity
Classification: Uncertain significance. Last evaluated: 2021-07-05. Review status: criteria provided, single submitter. Criteria: ACMG Guidelines, 2015. Collection method: clinical testing. Allele origin: germline.